The following is an entry in ClinVar:

NM_000195.5(HPS1):c.597C>T (p.Pro199=)

Gene: HPS1 (HPS1 biogenesis of lysosomal organelles complex 3 subunit 1; minus strand). Cytogenetic location: 10q24.2.
Variant type: single nucleotide variant.
Coding change: c.597C>T on transcript NM_000195.5 (MANE Select); coding-DNA position 597, C replaced by T.
Protein change: p.Pro199=; no amino-acid change (proline 199 retained).
Molecular consequence: synonymous variant. On other transcripts: 5 prime UTR variant (3), intron variant (5).
Genome position (GRCh38, 1-based): chr10:98,431,202, G>A on the plus strand (C>T on the coding strand, the complement: HPS1 is on the minus strand). VCF-style: chr10-98431202-G-A. GRCh37 (hg19) VCF-style: chr10-100190959-G-A.
Other names: p.Pro199=; c.-277C>T (NM_001311345.2, NM_001322489.2); c.597C>T, p.Pro199= (NM_001322476.2, NM_001322477.2, NM_001322478.2 and 3 more transcripts); c.228C>T, p.Pro76= (NM_001322483.2, NM_001322484.2, NM_001322485.2); c.-376C>T (NM_001322487.2); c.408-532C>T (NM_001322480.2, NM_001322482.2, NM_001322481.2); c.551-532C>T (NM_001322492.2, NM_001322490.2).
Identifiers: ClinVar variation 167186 (VCV000167186.22), dbSNP rs113520308, ClinGen allele CA180125.

ClinVar aggregate classification (germline): Benign/Likely benign. Review status: criteria provided, multiple submitters, no conflicts (2 of 4 stars). 7 submissions from 7 submitters: Benign (6); Likely benign (1). Last evaluated 2026-02-01.

Allele frequency attached by ClinVar (database versions not stated): gnomAD exomes 0.00037 and 0.00093; ExAC 0.00112; gnomAD 0.00357 and 0.00382; 1000 Genomes Project 0.00379; TOPMed 0.00389; 1000 Genomes Project 30x 0.00390; ESP Exome Variant Server 0.00431.
gnomAD v4.1: 1,098 of 1,614,058 alleles (0.068%); highest among the groups gnomAD compares: African/African-American, 1.2%; 15 homozygotes.

Submissions (7):

Labcorp Genetics (formerly Invitae), Labcorp
Classification: Benign. Last evaluated: 2026-02-01. Review status: criteria provided, single submitter. Criteria: Invitae Variant Classification Sherloc (09022015). Collection method: clinical testing. Allele origin: germline.

Mayo Clinic Laboratories, Mayo Clinic
Classification: Benign. Last evaluated: 2024-12-19. Review status: criteria provided, single submitter. Criteria: ACMG Guidelines, 2015. Collection method: clinical testing. Allele origin: germline. Observed: 3 variant alleles.
Comment: BS1, BS2, BP4, BP7

Blueprint Genetics
Classification: Likely benign. Last evaluated: 2024-06-04. Review status: criteria provided, single submitter. Criteria: ACMG Guidelines, 2015. Collection method: clinical testing. Allele origin: germline.

Eurofins Ntd Llc (ga)
Classification: Benign. Last evaluated: 2014-02-26. Review status: criteria provided, single submitter. Criteria: EGL Classification Definitions 2015. Collection method: clinical testing. Allele origin: germline. Observed: 1 variant allele, 1 heterozygote.

Laboratory for Molecular Medicine, Mass General Brigham Personalized Medicine
Classification: Benign. Last evaluated: 2013-02-21. Review status: criteria provided, single submitter. Criteria: LMM Criteria. Collection method: clinical testing. Allele origin: germline. Observed: 1 variant allele.
Comment: Pro199Pro in exon 7 of HPS1: This variant is not expected to have clinical signi ficance because it does not alter an amino acid residue and is not located withi n the splice consensus sequence. It has been identified in 1.3% (56/4406) of Afr ican American chromosomes from a broad population by the NHLBI Exome Sequencing Project (dbSNP rs113520308).

Breakthrough Genomics
Classification: Benign. Review status: criteria provided, single submitter. Criteria: ACMG Guidelines, 2015. Collection method: not provided. Allele origin: germline. Inheritance: Autosomal recessive inheritance. Affected: yes.

PreventionGenetics, part of Exact Sciences
Classification: Benign. Review status: criteria provided, single submitter. Criteria: ACMG Guidelines, 2015. Collection method: clinical testing. Allele origin: germline.